The following is an entry in ClinVar:

ClinVar aggregate classification (germline): Uncertain significance. Review status: criteria provided, multiple submitters, no conflicts (2 of 4 stars). 2 submissions from 2 submitters: Uncertain significance (2). Last evaluated 2024-05-16.

Conditions:
Inborn genetic diseases. Identifiers: MedGen C0950123, MeSH D030342.

Allele frequency attached by ClinVar (database versions not stated): TOPMed below 0.00001; ExAC 0.00001; gnomAD 0.00001.
gnomAD v4.1: 7 of 1,613,774 alleles (0.00043%); highest among the groups gnomAD compares: Admixed American, 0.0017%; no homozygotes.

Submissions (2):

Ambry Genetics
Classification: Uncertain significance for Inborn genetic diseases. Last evaluated: 2024-05-16. Review status: criteria provided, single submitter. Criteria: Ambry Variant Classification Scheme 2023. Collection method: clinical testing. Allele origin: germline.

Labcorp Genetics (formerly Invitae), Labcorp
Classification: Uncertain significance. Last evaluated: 2023-06-29. Review status: criteria provided, single submitter. Criteria: Invitae Variant Classification Sherloc (09022015). Collection method: clinical testing. Allele origin: germline.
Comment: This variant is present in population databases (rs761261696, gnomAD no frequency). In summary, the available evidence is currently insufficient to determine the role of this variant in disease. Therefore, it has been classified as a Variant of Uncertain Significance. Algorithms developed to predict the effect of sequence changes on RNA splicing suggest that this variant may disrupt the consensus splice site. An algorithm developed to predict the effect of missense changes on protein structure and function (PolyPhen-2) suggests that this variant is likely to be disruptive. ClinVar contains an entry for this variant (Variation ID: 1960198). This variant has not been reported in the literature in individuals affected with SMOC1-related conditions. This sequence change replaces glycine, which is neutral and non-polar, with alanine, which is neutral and non-polar, at codon 160 of the SMOC1 protein (p.Gly160Ala).

NM_001034852.3(SMOC1):c.479G>C (p.Gly160Ala)

Gene: SMOC1 (SPARC related modular calcium binding 1; plus strand). Cytogenetic location: 14q24.2.
Variant type: single nucleotide variant.
Coding change: c.479G>C on transcript NM_001034852.3 (MANE Select); coding-DNA position 479, G replaced by C.
Protein change: p.Gly160Ala; replaces glycine 160 with alanine.
Molecular consequence: missense variant.
Genome position (GRCh38, 1-based): chr14:69,977,918, G>C. VCF-style: chr14-69977918-G-C. GRCh37 (hg19) VCF-style: chr14-70444635-G-C.
Other names: c.479G>C, p.Gly160Ala (NM_022137.6); c.479G>C (NM_001034852.2); short protein forms G160A.
Identifiers: ClinVar variation 1960198 (VCV001960198.6), dbSNP rs761261696, ClinGen allele CA7246485.